The following is an entry in ClinVar:

NM_000321.3(RB1):c.1347A>G (p.Gly449=)

Gene: RB1 (RB transcriptional corepressor 1; plus strand). Cytogenetic location: 13q14.2.
Variant type: single nucleotide variant.
Coding change: c.1347A>G on transcript NM_000321.3 (MANE Select); coding-DNA position 1347, A replaced by G.
Protein change: p.Gly449=; no amino-acid change (glycine 449 retained).
Molecular consequence: synonymous variant.
Genome position (GRCh38, 1-based): chr13:48,379,608, A>G. VCF-style: chr13-48379608-A-G. GRCh37 (hg19) VCF-style: chr13-48953744-A-G.
Other names: c.1347A>G, p.Gly449= (NM_001407165.1, NM_001407166.1).
Identifiers: ClinVar variation 4824139 (VCV004824139.1).

ClinVar aggregate classification (germline): Uncertain significance (1 of 4 stars; one submission).

Conditions:
Hereditary cancer-predisposing syndrome. Also called: Neoplastic Syndromes, Hereditary; Hereditary neoplastic syndrome; Tumor predisposition; Hereditary Cancer Syndrome. Identifiers: Orphanet 140162, MedGen C0027672, MeSH D009386, MONDO:0015356.

Submission:

Ambry Genetics
Classification: Uncertain significance for Hereditary cancer-predisposing syndrome. Last evaluated: 2026-02-09. Review status: criteria provided, single submitter. Criteria: Ambry Variant Classification Scheme 2023. Collection method: clinical testing. Allele origin: germline.
Comment: The c.1347A>G variant (also known as p.G449G), located in coding exon 14 of the RB1 gene, results from an A to G substitution at nucleotide position 1347. This nucleotide substitution does not change the amino acid at codon 449. This nucleotide position is not well conserved in available vertebrate species. In silico splice site analysis for this alteration is inconclusive. Based on the available evidence, the clinical significance of this variant remains unclear.